The following is an entry in ClinVar:

ClinVar aggregate classification (germline): Uncertain significance (1 of 4 stars; one submission).

Submission:

GeneDx
Classification: Uncertain significance. Last evaluated: 2024-04-07. Review status: criteria provided, single submitter. Criteria: GeneDx Variant Classification Process June 2021. Collection method: clinical testing. Allele origin: germline. Affected: yes.
Comment: Not observed at significant frequency in large population cohorts (gnomAD); In silico analysis supports that this missense variant has a deleterious effect on protein structure/function; Has not been previously published as pathogenic or benign to our knowledge

NM_001256627.2(BRSK2):c.634G>A (p.Gly212Arg)

Gene: BRSK2 (BR serine/threonine kinase 2; plus strand). Cytogenetic location: 11p15.5.
Variant type: single nucleotide variant.
Coding change: c.634G>A on transcript NM_001256627.2 (MANE Select); coding-DNA position 634, G replaced by A.
Protein change: p.Gly212Arg; replaces glycine 212 with arginine.
Molecular consequence: missense variant. On other transcripts: non-coding transcript variant (1).
Genome position (GRCh38, 1-based): chr11:1,443,489, G>A. VCF-style: chr11-1443489-G-A. GRCh37 (hg19) VCF-style: chr11-1464719-G-A.
Other names: c.634G>A, p.Gly212Arg (NM_001256629.2, NM_003957.4); c.772G>A, p.Gly258Arg (NM_001256630.1); c.454G>A, p.Gly152Arg (NM_001282218.2); short protein forms G152R, G212R, G258R.
Identifiers: ClinVar variation 3361560 (VCV003361560.1).